The following is an entry in ClinVar:

NM_000094.4(COL7A1):c.3010C>T (p.Gln1004Ter)

Gene: COL7A1 (collagen type VII alpha 1 chain; minus strand). Cytogenetic location: 3p21.31.
Variant type: single nucleotide variant.
Coding change: c.3010C>T on transcript NM_000094.4 (MANE Select); coding-DNA position 3010, C replaced by T.
Protein change: p.Gln1004Ter; replaces glutamine 1004 with a stop codon.
Molecular consequence: nonsense.
Genome position (GRCh38, 1-based): chr3:48,587,319, G>A on the plus strand (C>T on the coding strand, the complement: COL7A1 is on the minus strand). VCF-style: chr3-48587319-G-A. GRCh37 (hg19) VCF-style: chr3-48624752-G-A.
Other names: short protein forms Q1004*.
Identifiers: ClinVar variation 2124685 (VCV002124685.5), dbSNP rs2045344236, ClinGen allele CA352713377.
Genomic context (GRCh38, chr3:48,587,319, plus strand): 5'-AAGAGACGCCAGGCTCTAGCCCTGTCACCCGCTGGGAGCTTGAGATCCCTGGAAGTGTCT[G>A]CGGGGACCCAGGCACTTCTGCAGGAGACAGAACTTGATTAAAAAGCTGTCTCCACAGAGC-3'

ClinVar aggregate classification (germline): Pathogenic. Review status: criteria provided, multiple submitters, no conflicts (2 of 4 stars). 2 submissions from 2 submitters: Pathogenic (2). Last evaluated 2025-01-22.

Conditions:
Recessive dystrophic epidermolysis bullosa (RDEB). Also called: Recessive DEB (RDEB); DYSTROPHIC EPIDERMOLYSIS BULLOSA, AUTOSOMAL RECESSIVE; EPIDERMOLYSIS BULLOSA DYSTROPHICA, HALLOPEAU-SIEMENS TYPE; Epidermolysis Bullosa Distrophica Autosomal Recessive (RDEB); epidermolysis bullosa dystrophica, autosomal recessive; Hallopeau-Siemens Disease. Identifiers: Orphanet 79408, Orphanet 79409, MedGen C0079474, MONDO:0009179, OMIM 226600.

gnomAD v4.1: 1 of 1,601,414 alleles (0.000062%); highest among the groups gnomAD compares: Admixed American, 0.0017%; no homozygotes.

Submissions (2):

Myriad Genetics, Inc.
Classification: Pathogenic for Recessive dystrophic epidermolysis bullosa. Last evaluated: 2025-01-22. Review status: criteria provided, single submitter. Criteria: Myriad Autosomal Dominant, Autosomal Recessive and X-Linked Classification Criteria (2023). Collection method: clinical testing. Allele origin: unknown.
Comment: NM_000094.3(COL7A1):c.3010C>T(Q1004*) is expected to be pathogenic in the context of dystrophic epidermolysis bullosa. This variant is predicted to lead to an abnormal or absent protein product due to the creation of a premature termination codon in COL7A1, a gene where loss-of-function variants are known to be pathogenic. Please note: this variant was assessed in the context of healthy population screening.

Labcorp Genetics (formerly Invitae), Labcorp
Classification: Pathogenic. Last evaluated: 2022-04-11. Review status: criteria provided, single submitter. Criteria: Invitae Variant Classification Sherloc (09022015). Collection method: clinical testing. Allele origin: germline.
Comment: For these reasons, this variant has been classified as Pathogenic. This variant has not been reported in the literature in individuals affected with COL7A1-related conditions. This variant is not present in population databases (gnomAD no frequency). This sequence change creates a premature translational stop signal (p.Gln1004*) in the COL7A1 gene. It is expected to result in an absent or disrupted protein product. Loss-of-function variants in COL7A1 are known to be pathogenic (PMID: 16971478).

Literature cited by the submitters: PubMed 16971478 (cited by Labcorp Genetics (formerly Invitae), Labcorp).